The following is an entry in ClinVar:

ClinVar aggregate classification (germline): Uncertain significance (1 of 4 stars; one submission).

Conditions:
Joubert syndrome. Also called: JOUBERT-BOLTSHAUSER SYNDROME; Familial aplasia of the vermis. Identifiers: Orphanet 475, MedGen C5979921, MONDO:0018772.
Meckel-Gruber syndrome. Also called: DYSENCEPHALIA SPLANCHNOCYSTICA; GRUBER SYNDROME; Dysencephalia splachnocystica. Identifiers: Orphanet 564, MedGen C0265215, MONDO:0018921.

Submission:

Labcorp Genetics (formerly Invitae), Labcorp
Classification: Uncertain significance for Joubert syndrome; Meckel-Gruber syndrome. Last evaluated: 2022-10-25. Review status: criteria provided, single submitter. Criteria: Invitae Variant Classification Sherloc (09022015). Collection method: clinical testing. Allele origin: germline.
Comment: This sequence change falls in intron 24 of the CC2D2A gene. It does not directly change the encoded amino acid sequence of the CC2D2A protein. This variant is not present in population databases (gnomAD no frequency). In summary, the available evidence is currently insufficient to determine the role of this variant in disease. Therefore, it has been classified as a Variant of Uncertain Significance. Algorithms developed to predict the effect of sequence changes on RNA splicing suggest that this variant may disrupt the consensus splice site. ClinVar contains an entry for this variant (Variation ID: 1449575). This variant has not been reported in the literature in individuals affected with CC2D2A-related conditions.

NM_001378615.1(CC2D2A):c.3015-8A>G

Genes: CC2D2A (coiled-coil and C2 domain containing 2A; plus strand), FBXL5 (F-box and leucine rich repeat protein 5; minus strand). Cytogenetic location: 4p15.32.
Variant type: single nucleotide variant.
Coding change: c.3015-8A>G on transcript NM_001378615.1 (MANE Select); 8 bases into the intron before coding-DNA position 3015, A replaced by G.
Molecular consequence: intron variant.
Genome position (GRCh38, 1-based): chr4:15,563,347, A>G. VCF-style: chr4-15563347-A-G. GRCh37 (hg19) VCF-style: chr4-15564970-A-G.
Other names: c.3015-8A>G (NM_001080522.2); c.2868-8A>G (NM_001378617.1).
Identifiers: ClinVar variation 1449575 (VCV001449575.6), dbSNP rs2109065118, ClinGen allele CA2573137614.